The following is an entry in ClinVar:

NM_001379200.1(TBX1):c.1343C>A (p.Pro448His)

Gene: TBX1 (T-box transcription factor 1; plus strand). Cytogenetic location: 22q11.21.
Variant type: single nucleotide variant.
Coding change: c.1343C>A on transcript NM_001379200.1 (MANE Select); coding-DNA position 1343, C replaced by A.
Protein change: p.Pro448His; replaces proline 448 with histidine.
Molecular consequence: missense variant. On other transcripts: intron variant (2).
Genome position (GRCh38, 1-based): chr22:19,766,695, C>A. VCF-style: chr22-19766695-C-A. GRCh37 (hg19) VCF-style: chr22-19754218-C-A.
Other names: c.1316C>A, p.Pro439His (NM_080647.1); c.1009+693C>A (NM_005992.1, NM_080646.2); short protein forms P439H, P448H.
Identifiers: ClinVar variation 2496833 (VCV002496833.2), dbSNP rs760098496, ClinGen allele CA322058643.

ClinVar aggregate classification (germline): Uncertain significance (1 of 4 stars; one submission).

Conditions:
Cardiovascular phenotype. Identifiers: MedGen CN230736.

Allele frequency attached by ClinVar (database versions not stated): gnomAD exomes below 0.00001.
gnomAD v4.1: 3 of 1,547,986 alleles (0.00019%); highest among the groups gnomAD compares: African/African-American, 0.0028%; no homozygotes.

Submission:

Ambry Genetics
Classification: Uncertain significance for Cardiovascular phenotype. Last evaluated: 2023-02-16. Review status: criteria provided, single submitter. Criteria: Ambry Variant Classification Scheme 2023. Collection method: clinical testing. Allele origin: germline.
Comment: The p.P439H variant (also known as c.1316C>A), located in coding exon 8 of the TBX1 gene, results from a C to A substitution at nucleotide position 1316. The proline at codon 439 is replaced by histidine, an amino acid with similar properties. This amino acid position is conserved. In addition, the in silico prediction for this alteration is inconclusive. Since supporting evidence is limited at this time, the clinical significance of this alteration remains unclear.